The following is an entry in ClinVar:

ClinVar aggregate classification (germline): Uncertain significance (1 of 4 stars; one submission).

Conditions:
Cardiovascular phenotype. Identifiers: MedGen CN230736.

gnomAD v4.1: 1 of 1,613,674 alleles (0.000062%); highest among the groups gnomAD compares: African/African-American, 0.0013%; no homozygotes.

Submission:

Ambry Genetics
Classification: Uncertain significance for Cardiovascular phenotype. Last evaluated: 2024-07-07. Review status: criteria provided, single submitter. Criteria: Ambry Variant Classification Scheme 2023. Collection method: clinical testing. Allele origin: germline.
Comment: The p.S2681N variant (also known as c.8042G>A), located in coding exon 32 of the AKAP9 gene, results from a G to A substitution at nucleotide position 8042. The serine at codon 2681 is replaced by asparagine, an amino acid with highly similar properties. This amino acid position is conserved. In addition, this alteration is predicted to be tolerated by in silico analysis. Based on the available evidence, the clinical significance of this variant remains unclear.

NM_005751.5(AKAP9):c.8042G>A (p.Ser2681Asn)

Gene: AKAP9 (A-kinase anchoring protein 9; plus strand). Cytogenetic location: 7q21.2.
Variant type: single nucleotide variant.
Coding change: c.8042G>A on transcript NM_005751.5 (MANE Select); coding-DNA position 8042, G replaced by A.
Protein change: p.Ser2681Asn; replaces serine 2681 with asparagine.
Molecular consequence: missense variant.
Genome position (GRCh38, 1-based): chr7:92,082,544, G>A. VCF-style: chr7-92082544-G-A. GRCh37 (hg19) VCF-style: chr7-91711858-G-A.
Other names: c.2687G>A, p.Ser896Asn (NM_001379277.1); c.8018G>A, p.Ser2673Asn (NM_147185.3); short protein forms S896N, S2673N, S2681N.
Identifiers: ClinVar variation 3516166 (VCV003516166.1).
Genomic context (GRCh38, chr7:92,082,544, plus strand): 5'-TTAAATTATGTGTTTCTTGTGTTTCCGCTGTCATTCAGACAACTACTGAGCTATTTCATA[G>A]CAATGAAGAAAGTGGATTTTTTAATGAACTCGAGGCTCTTAGAGCTGAATCAGTGGCTAC-3'
Protein context (NP_005742.4, residues 2671-2691): VLKTTTELFH[Ser2681Asn]NEESGFFNEL